The following is an entry in ClinVar:

NM_000368.5(TSC1):c.689A>G (p.His230Arg)

Gene: TSC1 (TSC complex subunit 1; minus strand). Cytogenetic location: 9q34.13.
Variant type: single nucleotide variant.
Coding change: c.689A>G on transcript NM_000368.5 (MANE Select); coding-DNA position 689, A replaced by G.
Protein change: p.His230Arg; replaces histidine 230 with arginine.
Molecular consequence: missense variant.
Genome position (GRCh38, 1-based): chr9:132,921,411, T>C on the plus strand (A>G on the coding strand, the complement: TSC1 is on the minus strand). VCF-style: chr9-132921411-T-C. GRCh37 (hg19) VCF-style: chr9-135796798-T-C.
Other names: c.689A>G, p.His230Arg (NM_001162426.2); c.536A>G, p.His179Arg (NM_001162427.2); c.326A>G, p.His109Arg (NM_001362177.2); short protein forms H179R, H230R, H109R.
Identifiers: ClinVar variation 642069 (VCV000642069.12), dbSNP rs1588345775, ClinGen allele CA375371421.

ClinVar aggregate classification (germline): Uncertain significance. Review status: criteria provided, multiple submitters, no conflicts (2 of 4 stars). 2 submissions from 2 submitters: Uncertain significance (2). Last evaluated 2026-08-11.

Conditions:
Tuberous sclerosis 1 (TSC1). Identifiers: Orphanet 805, MedGen C1854465, MONDO:0008612, OMIM 191100.
Hereditary cancer-predisposing syndrome. Also called: Neoplastic Syndromes, Hereditary; Hereditary Cancer Syndrome; Hereditary neoplastic syndrome; Tumor predisposition. Identifiers: Orphanet 140162, MedGen C0027672, MeSH D009386, MONDO:0015356.

Submissions (2):

Ambry Genetics
Classification: Uncertain significance for Hereditary cancer-predisposing syndrome. Last evaluated: 2026-08-11. Review status: criteria provided, single submitter. Criteria: Ambry Variant Classification Scheme 2023. Collection method: clinical testing. Allele origin: germline.
Comment: The p.H230R variant (also known as c.689A>G), located in coding exon 6 of the TSC1 gene, results from an A to G substitution at nucleotide position 689. The histidine at codon 230 is replaced by arginine, an amino acid with highly similar properties. This amino acid position is highly conserved in available vertebrate species. In addition, this alteration is predicted to be deleterious by in silico analysis. Based on the available evidence, the clinical significance of this variant remains unclear.

Labcorp Genetics (formerly Invitae), Labcorp
Classification: Uncertain significance for Tuberous sclerosis 1. Last evaluated: 2018-09-19. Review status: criteria provided, single submitter. Criteria: Invitae Variant Classification Sherloc (09022015). Collection method: clinical testing. Allele origin: germline.
Comment: This variant is not present in population databases (ExAC no frequency). In summary, the available evidence is currently insufficient to determine the role of this variant in disease. Therefore, it has been classified as a Variant of Uncertain Significance. Algorithms developed to predict the effect of missense changes on protein structure and function are either unavailable or do not agree on the potential impact of this missense change (SIFT: "Deleterious"; PolyPhen-2: "Probably Damaging"; Align-GVGD: "Class C0"). This variant has not been reported in the literature in individuals with TSC1-related disease. This sequence change replaces histidine with arginine at codon 230 of the TSC1 protein (p.His230Arg). The histidine residue is highly conserved and there is a small physicochemical difference between histidine and arginine.